The following is an entry in ClinVar:

NM_001127649.3(PEX26):c.710G>C (p.Arg237Pro)

Gene: PEX26 (peroxisomal biogenesis factor 26; plus strand). Cytogenetic location: 22q11.21.
Variant type: single nucleotide variant.
Coding change: c.710G>C on transcript NM_001127649.3 (MANE Select); coding-DNA position 710, G replaced by C.
Protein change: p.Arg237Pro; replaces arginine 237 with proline.
Molecular consequence: missense variant. On other transcripts: intron variant (1).
Genome position (GRCh38, 1-based): chr22:18,085,154, G>C. VCF-style: chr22-18085154-G-C. GRCh37 (hg19) VCF-style: chr22-18567920-G-C.
Other names: c.710G>C, p.Arg237Pro (NM_017929.6); c.667+1422G>C (NM_001199319.2); short protein forms R237P.
Identifiers: ClinVar variation 4984707 (VCV004984707.1).
Genomic context (GRCh38, chr22:18,085,154, plus strand): 5'-CTCTGTCTCCCTGGCCAGGCTCTGTCTCCCACAAGTTCCTGTCACTACCGATGTTGGTTC[G>C]CCAGCTTTGGGACTCTGCGGTGAGCCACTTCTTTTCTCTGCCCTTCAAAAAGAGTCTCCT-3'
Protein context (NP_001121121.1, residues 227-247): HKFLSLPMLV[Arg237Pro]QLWDSAVSHF

ClinVar aggregate classification (germline): Uncertain significance (1 of 4 stars; one submission).

Conditions:
PEX26-related disorder. Also called: PEX26-related condition.

Submission:

PreventionGenetics, part of Exact Sciences
Classification: Uncertain significance for PEX26-related condition. Last evaluated: 2025-08-13. Review status: criteria provided, single submitter. Criteria: ACMG Guidelines, 2015. Collection method: clinical testing. Allele origin: germline.
Comment: The PEX26 c.710G>C variant is predicted to result in the amino acid substitution p.Arg237Pro. To our knowledge, this variant has not been reported in the literature or in a large population database (gnomAD), indicating this variant is rare. At this time, the clinical significance of this variant is uncertain due to the absence of conclusive functional and genetic evidence.